The following is an entry in ClinVar:

NM_007294.4(BRCA1):c.-20+101C>G

Genes: BRCA1 (BRCA1 DNA repair associated; minus strand), LOC111589215 (BRCA1 promoter region; plus strand). Cytogenetic location: 17q21.31.
Variant type: single nucleotide variant.
Coding change: c.-20+101C>G on transcript NM_007294.4 (MANE Select); 101 bases into the intron after 20 bases upstream of the start codon, C replaced by G.
Molecular consequence: intron variant.
Genome position (GRCh38, 1-based): chr17:43,125,170, G>C on the plus strand (C>G on the coding strand, the complement: BRCA1 is on the minus strand). VCF-style: chr17-43125170-G-C. GRCh37 (hg19) VCF-style: chr17-41277187-G-C.
Other names: IVS 1+101C>G; c.-107+107C>G (NM_007297.4); c.-20+107C>G (NM_007299.4); c.-20+101C>G (NM_007300.4).
Identifiers: ClinVar variation 189123 (VCV000189123.6), dbSNP rs799905, ClinGen allele CA001339.
Genomic context (GRCh38, chr17:43,125,170, plus strand): 5'-CTGCCCCCCTCCCCAGGGTTCACAACGCCTTACGCCTCTCAGGTTCCGCCCCTACCCCCC[G>C]TCAAAGAATACCCATCTGTCAGCTTCGGAAATCCACTCTCCCACGCCAGTACCCCAGAGC-3'

ClinVar aggregate classification (germline): Benign. Review status: reviewed by expert panel (3 of 4 stars). 5 submissions from 5 submitters: Benign (1). 4 of the submissions do not count toward it. Last evaluated 2015-01-12.

Conditions:
Breast-ovarian cancer, familial, susceptibility to, 1 (BROVCA1). Also called: OVARIAN CANCER, SUSCEPTIBILITY TO; BRCA1 Hereditary Breast and Ovarian Cancer. Identifiers: Orphanet 145, MedGen C2676676, MONDO:0011450, OMIM 604370. Disease mechanism: loss of function.

Allele frequency attached by ClinVar (database versions not stated): ExAC 0.48053; TOPMed 0.49786; gnomAD 0.50709 and 0.51032; 1000 Genomes Project 0.54513.
gnomAD v4.1: 192,695 of 443,588 alleles (43%); highest among the groups gnomAD compares: African/African-American, 82%; 46,468 homozygotes.

Submissions (5):

Evidence-based Network for the Interpretation of Germline Mutant Alleles (ENIGMA)
Classification: Benign for Breast-ovarian cancer, familial 1. Last evaluated: 2015-01-12. Review status: reviewed by expert panel. Criteria: ENIGMA BRCA1/2 Classification Criteria (2015). Collection method: curation. Allele origin: germline.
Comment: Class 1 not pathogenic based on frequency >1% in an outbred sampleset. Frequency 0.3304 (Asian), 0.1362 (African), 0.3694 (European), derived from 1000 genomes (2012-04-30).

GeneDx
Classification: Benign. Last evaluated: 2018-06-23. Review status: criteria provided, single submitter. Criteria: GeneDx Variant Classification Process June 2021. Collection method: clinical testing. Allele origin: germline. Affected: yes. Not counted in ClinVar's aggregate classification.

GeneKor MSA
Classification: Benign. Last evaluated: 2017-11-01. Review status: criteria provided, single submitter. Criteria: ACMG Guidelines, 2015. Collection method: clinical testing. Allele origin: germline. Affected: yes. Not counted in ClinVar's aggregate classification.

Breakthrough Genomics
Classification: Benign. Review status: criteria provided, single submitter. Criteria: ACMG Guidelines, 2015. Collection method: not provided. Allele origin: germline. Inheritance: Autosomal recessive inheritance. Affected: yes. Not counted in ClinVar's aggregate classification.

Counsyl
Classification: Benign for Breast-ovarian cancer, familial 1. Last evaluated: 2015-01-13. Review status: no assertion criteria provided. Collection method: literature only. Allele origin: unknown. Inheritance: Autosomal dominant inheritance. Not counted in ClinVar's aggregate classification.

Literature cited by the submitters: PubMed 23096355 (cited by Counsyl).